The following is an entry in ClinVar:

ClinVar aggregate classification (germline): Uncertain significance (1 of 4 stars; one submission).

Conditions:
FBLN1-related disorder. Also called: FBLN1-related condition.

gnomAD v4.1: 169 of 1,613,984 alleles (0.01%); highest among the groups gnomAD compares: Non-Finnish European, 0.014%; no homozygotes.

Submissions (2):

PreventionGenetics, part of Exact Sciences
Classification: Uncertain significance for FBLN1-related condition. Last evaluated: 2025-08-09. Review status: criteria provided, single submitter. Criteria: ACMG Guidelines, 2015. Collection method: clinical testing. Allele origin: germline.
Comment: The FBLN1 c.882C>T variant is not predicted to result in an amino acid change (p.=). This variant is predicted to alter splicing based on available splicing prediction programs (SpliceAI, Jaganathan et al. 2019. PubMed ID: 30661751). However, the use of computer prediction programs is not equivalent to functional evidence. To our knowledge, this variant has not been reported in the literature. This variant is reported in 0.0035% of alleles in individuals of European (Non-Finnish) descent in gnomAD. At this time, the clinical significance of this variant is uncertain due to the absence of conclusive functional and genetic evidence.

Dr. Peter K. Rogan Lab, Western University
No classification provided (evidence only). Condition: Ovarian serous cystadenocarcinoma. Review status: no classification provided. Collection method: in vitro. Allele origin: not applicable. Functional consequence: retained intron. Not counted in ClinVar's aggregate classification.

NM_006486.3(FBLN1):c.882C>T (p.Cys294=)

Gene: FBLN1 (fibulin 1; plus strand). Cytogenetic location: 22q13.31.
Variant type: single nucleotide variant.
Coding change: c.882C>T on transcript NM_006486.3 (MANE Select); coding-DNA position 882, C replaced by T.
Protein change: p.Cys294=; no amino-acid change (cysteine 294 retained).
Molecular consequence: synonymous variant.
Genome position (GRCh38, 1-based): chr22:45,535,297, C>T. VCF-style: chr22-45535297-C-T. GRCh37 (hg19) VCF-style: chr22-45931177-C-T.
Other names: NC_000022.10:g.45931177C>T; c.882C>T, p.Cys294= (NM_001996.4, NM_006485.4, NM_006487.3); c.882C>T (NM_006486.2).
Identifiers: ClinVar variation 4459686 (VCV004459686.2).
Genomic context (GRCh38, chr22:45,535,297, plus strand): 5'-CCCCGATTTTATCTGTCAGAATACTCTGGGATCCTTCCGCTGCCGACCCAAGCTACAGTG[C>T]AAGAGTGGCTTTATACAAGATGCTCTAGGCAACTGTATTGGTAAGAGGTGTGCCGCCAGG-3'
Protein context (NP_006477.3, residues 284-304): GSFRCRPKLQ[Cys294=]KSGFIQDALG